The following is an entry in ClinVar:

NM_170606.3(KMT2C):c.170G>A (p.Ser57Asn)

Gene: KMT2C (lysine methyltransferase 2C; minus strand). Cytogenetic location: 7q36.1.
Variant type: single nucleotide variant.
Coding change: c.170G>A on transcript NM_170606.3 (MANE Select); coding-DNA position 170, G replaced by A.
Protein change: p.Ser57Asn; replaces serine 57 with asparagine.
Molecular consequence: missense variant.
Genome position (GRCh38, 1-based): chr7:152,358,667, C>T on the plus strand (G>A on the coding strand, the complement: KMT2C is on the minus strand). VCF-style: chr7-152358667-C-T. GRCh37 (hg19) VCF-style: chr7-152055752-C-T.
Other names: short protein forms S57N.
Identifiers: ClinVar variation 3768427 (VCV003768427.1).

ClinVar aggregate classification (germline): Uncertain significance (1 of 4 stars; one submission).

Submission:

Women's Health and Genetics/Laboratory Corporation of America, LabCorp
Classification: Uncertain significance. Last evaluated: 2024-12-24. Review status: criteria provided, single submitter. Criteria: LabCorp Variant Classification Summary - May 2015. Collection method: clinical testing. Allele origin: germline.
Comment: Variant summary: KMT2C c.170G>A (p.Ser57Asn) results in a conservative amino acid change in the encoded protein sequence. Four of four in-silico tools predict a benign effect of the variant on protein function. The variant was absent in 244498 control chromosomes. The available data on variant occurrences in the general population are insufficient to allow any conclusion about variant significance. To our knowledge, no occurrence of c.170G>A in individuals affected with Kleefstra Syndrome 2 and no experimental evidence demonstrating its impact on protein function have been reported. No submitters have cited clinical-significance assessments for this variant to ClinVar. Based on the evidence outlined above, the variant was classified as uncertain significance.